The following is an entry in ClinVar:

NM_001099403.2(PRDM8):c.1079G>T (p.Ser360Ile)

Gene: PRDM8 (PR/SET domain 8; plus strand). Cytogenetic location: 4q21.21.
Variant type: single nucleotide variant.
Coding change: c.1079G>T on transcript NM_001099403.2 (MANE Select); coding-DNA position 1079, G replaced by T.
Protein change: p.Ser360Ile; replaces serine 360 with isoleucine.
Molecular consequence: missense variant.
Genome position (GRCh38, 1-based): chr4:80,202,541, G>T. VCF-style: chr4-80202541-G-T. GRCh37 (hg19) VCF-style: chr4-81123695-G-T.
Other names: c.1079G>T, p.Ser360Ile (NM_020226.4); short protein forms S360I.
Identifiers: ClinVar variation 1920774 (VCV001920774.5), dbSNP rs1738587865, ClinGen allele CA357398104.

ClinVar aggregate classification (germline): Uncertain significance (1 of 4 stars; one submission).

Conditions:
Early-onset Lafora body disease. Also called: Epilepsy, progressive myoclonic, 10. Identifiers: Orphanet 324290, MedGen C4225258, MONDO:0014717, OMIM 616640.

Allele frequency attached by ClinVar (database versions not stated): TOPMed 0.00001.
gnomAD v4.1: 12 of 1,535,764 alleles (0.00078%); highest among the groups gnomAD compares: Non-Finnish European, 0.001%; no homozygotes.

Submission:

Labcorp Genetics (formerly Invitae), Labcorp
Classification: Uncertain significance for Early-onset Lafora body disease. Last evaluated: 2022-03-17. Review status: criteria provided, single submitter. Criteria: Invitae Variant Classification Sherloc (09022015). Collection method: clinical testing. Allele origin: germline.
Comment: In summary, the available evidence is currently insufficient to determine the role of this variant in disease. Therefore, it has been classified as a Variant of Uncertain Significance. Algorithms developed to predict the effect of missense changes on protein structure and function are either unavailable or do not agree on the potential impact of this missense change (SIFT: "Deleterious"; PolyPhen-2: "Probably Damaging"; Align-GVGD: "Class C0"). This variant has not been reported in the literature in individuals affected with PRDM8-related conditions. This variant is not present in population databases (gnomAD no frequency). This sequence change replaces serine, which is neutral and polar, with isoleucine, which is neutral and non-polar, at codon 360 of the PRDM8 protein (p.Ser360Ile).